The following is an entry in ClinVar:

ClinVar aggregate classification (germline): Uncertain significance (1 of 4 stars; one submission).

Allele frequency attached by ClinVar (database versions not stated): TOPMed below 0.00001.
gnomAD v4.1: 3 of 1,613,868 alleles (0.00019%); highest among the groups gnomAD compares: South Asian, 0.0022%; no homozygotes.

Submission:

GeneDx
Classification: Uncertain significance. Last evaluated: 2023-08-28. Review status: criteria provided, single submitter. Criteria: GeneDx Variant Classification Process June 2021. Collection method: clinical testing. Allele origin: germline. Affected: yes.
Comment: Not observed at significant frequency in large population cohorts (gnomAD); In silico analysis supports that this missense variant has a deleterious effect on protein structure/function; Has not been previously published as pathogenic or benign to our knowledge

NM_001378414.1(HDAC4):c.2681A>G (p.Asn894Ser)

Gene: HDAC4 (histone deacetylase 4; minus strand). Cytogenetic location: 2q37.3.
Variant type: single nucleotide variant.
Coding change: c.2681A>G on transcript NM_001378414.1 (MANE Select); coding-DNA position 2681, A replaced by G.
Protein change: p.Asn894Ser; replaces asparagine 894 with serine.
Molecular consequence: missense variant.
Genome position (GRCh38, 1-based): chr2:239,081,164, T>C on the plus strand (A>G on the coding strand, the complement: HDAC4 is on the minus strand). VCF-style: chr2-239081164-T-C. GRCh37 (hg19) VCF-style: chr2-240002860-T-C.
Other names: c.2681A>G, p.Asn894Ser (NM_001378415.1); c.2666A>G, p.Asn889Ser (NM_001378416.1, NM_001378417.1, NM_006037.4); short protein forms N889S, N894S.
Identifiers: ClinVar variation 3252713 (VCV003252713.1), dbSNP rs2035282392.